The following is an entry in ClinVar:

ClinVar aggregate classification (germline): Uncertain significance (1 of 4 stars; one submission).

Allele frequency attached by ClinVar (database versions not stated): gnomAD exomes below 0.00001.
gnomAD v4.1: 2 of 1,211,719 alleles (0.00017%); highest among the groups gnomAD compares: Non-Finnish European, 0.00022%; no homozygotes.

Submission:

GeneDx
Classification: Uncertain significance. Last evaluated: 2023-05-17. Review status: criteria provided, single submitter. Criteria: GeneDx Variant Classification Process June 2021. Collection method: clinical testing. Allele origin: germline. Affected: yes.
Comment: Not observed at significant frequency in large population cohorts (gnomAD); In silico analysis supports that this missense variant has a deleterious effect on protein structure/function; Has not been previously published as pathogenic or benign to our knowledge

NM_001110556.2(FLNA):c.1504G>A (p.Asp502Asn)

Gene: FLNA (filamin A; minus strand). Cytogenetic location: Xq28.
Variant type: single nucleotide variant.
Coding change: c.1504G>A on transcript NM_001110556.2 (MANE Select); coding-DNA position 1504, G replaced by A.
Protein change: p.Asp502Asn; replaces aspartic acid 502 with asparagine.
Molecular consequence: missense variant.
Genome position (GRCh38, 1-based): chrX:154,365,412, C>T on the plus strand (G>A on the coding strand, the complement: FLNA is on the minus strand). VCF-style: chrX-154365412-C-T. GRCh37 (hg19) VCF-style: chrX-153593780-C-T.
Other names: c.1504G>A, p.Asp502Asn (NM_001456.4); short protein forms D502N.
Identifiers: ClinVar variation 2503275 (VCV002503275.1), dbSNP rs2522757738, ClinGen allele CA415243434.